The following is an entry in ClinVar:

ClinVar aggregate classification (germline): Likely benign (1 of 4 stars; one submission).

Allele frequency attached by ClinVar (database versions not stated): gnomAD 0.00004 and 0.00003; TOPMed 0.00005; ESP Exome Variant Server 0.00016; gnomAD exomes 0.00002.
gnomAD v4.1: 28 of 1,612,176 alleles (0.0017%); highest among the groups gnomAD compares: African/African-American, 0.012%; no homozygotes.

Submission:

Laboratory for Molecular Medicine, Mass General Brigham Personalized Medicine
Classification: Likely benign. Last evaluated: 2016-03-23. Review status: criteria provided, single submitter. Criteria: LMM Criteria. Collection method: clinical testing. Allele origin: germline. Observed: 1 variant allele.
Comment: p.Gly5080Ser in exon 34 of MUC5B: This variant is not expected to have clinical significance due to a lack of conservation across species, including mammals. Of note, 5 mammals (rhesus, macaque, baboon, green monkey, and Tibetan antelope) have a serine (Ser) at this position despite high nearby amino acid conservation . In addition, computational prediction tools do not suggest a high likelihood o f impact to the protein.

NM_002458.3(MUC5B):c.15238G>A (p.Gly5080Ser)

Gene: MUC5B (mucin 5B, oligomeric mucus/gel-forming; plus strand). Cytogenetic location: 11p15.5.
Variant type: single nucleotide variant.
Coding change: c.15238G>A on transcript NM_002458.3 (MANE Select); coding-DNA position 15238, G replaced by A.
Protein change: p.Gly5080Ser; replaces glycine 5080 with serine.
Molecular consequence: missense variant.
Genome position (GRCh38, 1-based): chr11:1,254,112, G>A. VCF-style: chr11-1254112-G-A. GRCh37 (hg19) VCF-style: chr11-1275342-G-A.
Other names: short protein forms G5080S.
Identifiers: ClinVar variation 227552 (VCV000227552.4), dbSNP rs200503009, ClinGen allele CA10576841.